The following is an entry in ClinVar:

NM_014314.4(RIGI):c.148C>G (p.Pro50Ala)

Gene: RIGI (RNA sensor RIG-I; minus strand). Cytogenetic location: 9p21.1.
Variant type: single nucleotide variant.
Coding change: c.148C>G on transcript NM_014314.4 (MANE Select); coding-DNA position 148, C replaced by G.
Protein change: p.Pro50Ala; replaces proline 50 with alanine.
Molecular consequence: missense variant. On other transcripts: 5 prime UTR variant (3).
Genome position (GRCh38, 1-based): chr9:32,500,898, G>C on the plus strand (C>G on the coding strand, the complement: RIGI is on the minus strand). VCF-style: chr9-32500898-G-C. GRCh37 (hg19) VCF-style: chr9-32500896-G-C.
Other names: c.148C>G, p.Pro50Ala (NM_001385907.1, NM_001385909.1, NM_001385913.1); c.-307C>G (NM_001385910.1, NM_001385914.1); c.-314C>G (NM_001385912.1); short protein forms P50A.
Identifiers: ClinVar variation 1489320 (VCV001489320.8), dbSNP rs1456657919, ClinGen allele CA373143396.

ClinVar aggregate classification (germline): Uncertain significance (1 of 4 stars; one submission).

Allele frequency attached by ClinVar (database versions not stated): gnomAD exomes below 0.00001; gnomAD 0.00001.
gnomAD v4.1: 3 of 1,613,878 alleles (0.00019%); highest among the groups gnomAD compares: Non-Finnish European, 0.00025%; no homozygotes.

Submission:

Labcorp Genetics (formerly Invitae), Labcorp
Classification: Uncertain significance. Last evaluated: 2024-05-06. Review status: criteria provided, single submitter. Criteria: Invitae Variant Classification Sherloc (09022015). Collection method: clinical testing. Allele origin: germline.
Comment: This sequence change replaces proline, which is neutral and non-polar, with alanine, which is neutral and non-polar, at codon 50 of the DDX58 protein (p.Pro50Ala). This variant is not present in population databases (gnomAD no frequency). This variant has not been reported in the literature in individuals affected with DDX58-related conditions. ClinVar contains an entry for this variant (Variation ID: 1489320). Algorithms developed to predict the effect of missense changes on protein structure and function output the following: SIFT: "Not Available"; PolyPhen-2: "Benign"; Align-GVGD: "Not Available". The alanine amino acid residue is found in multiple mammalian species, which suggests that this missense change does not adversely affect protein function. In summary, the available evidence is currently insufficient to determine the role of this variant in disease. Therefore, it has been classified as a Variant of Uncertain Significance.